The following is an entry in ClinVar:

NM_133372.3(FNIP1):c.3152T>C (p.Ile1051Thr)

Gene: FNIP1 (folliculin interacting protein 1; minus strand). Cytogenetic location: 5q31.1.
Variant type: single nucleotide variant.
Coding change: c.3152T>C on transcript NM_133372.3 (MANE Select); coding-DNA position 3152, T replaced by C.
Protein change: p.Ile1051Thr; replaces isoleucine 1051 with threonine.
Molecular consequence: missense variant.
Genome position (GRCh38, 1-based): chr5:131,651,956, A>G on the plus strand (T>C on the coding strand, the complement: FNIP1 is on the minus strand). VCF-style: chr5-131651956-A-G. GRCh37 (hg19) VCF-style: chr5-130987649-A-G.
Other names: c.3068T>C, p.Ile1023Thr (NM_001008738.3); c.3017T>C, p.Ile1006Thr (NM_001346114.2); short protein forms I1006T, I1023T, I1051T.
Identifiers: ClinVar variation 2062808 (VCV002062808.1), dbSNP rs371264668, ClinGen allele CA3400384.

ClinVar aggregate classification (germline): Uncertain significance (1 of 4 stars; one submission).

Allele frequency attached by ClinVar (database versions not stated): ExAC 0.00002; gnomAD exomes 0.00005; TOPMed 0.00006; ESP Exome Variant Server 0.00008; gnomAD 0.00009.
gnomAD v4.1: 80 of 1,614,022 alleles (0.005%); highest among the groups gnomAD compares: Non-Finnish European, 0.0063%; no homozygotes.

Submission:

Labcorp Genetics (formerly Invitae), Labcorp
Classification: Uncertain significance. Last evaluated: 2022-09-06. Review status: criteria provided, single submitter. Criteria: Invitae Variant Classification Sherloc (09022015). Collection method: clinical testing. Allele origin: germline.
Comment: This sequence change replaces isoleucine, which is neutral and non-polar, with threonine, which is neutral and polar, at codon 1051 of the FNIP1 protein (p.Ile1051Thr). This variant is present in population databases (rs371264668, gnomAD 0.01%). This variant has not been reported in the literature in individuals affected with FNIP1-related conditions. Algorithms developed to predict the effect of missense changes on protein structure and function (SIFT, PolyPhen-2, Align-GVGD) all suggest that this variant is likely to be disruptive. In summary, the available evidence is currently insufficient to determine the role of this variant in disease. Therefore, it has been classified as a Variant of Uncertain Significance.